The following is an entry in ClinVar:

ClinVar aggregate classification (germline): Uncertain significance (1 of 4 stars; one submission).

Submissions (2):

GeneDx
Classification: Uncertain significance. Last evaluated: 2026-03-24. Review status: criteria provided, single submitter. Criteria: GeneDx Variant Classification Process June 2021. Collection method: clinical testing. Allele origin: germline.
Comment: Not observed at significant frequency in large population cohorts (gnomAD); In silico analysis supports that this missense variant has a deleterious effect on protein structure/function; Has not been previously published as pathogenic or benign to our knowledge

Dr. Peter K. Rogan Lab, Western University
No classification provided (evidence only). Condition: Thyroid cancer, nonmedullary, 1. Review status: no classification provided. Collection method: in vitro. Allele origin: not applicable. Functional consequence: retained intron. Not counted in ClinVar's aggregate classification.

NM_000061.3(BTK):c.1313C>A (p.Ser438Tyr)

Gene: BTK (Bruton tyrosine kinase; minus strand). Cytogenetic location: Xq22.1.
Variant type: single nucleotide variant.
Coding change: c.1313C>A on transcript NM_000061.3 (MANE Select); coding-DNA position 1313, C replaced by A.
Protein change: p.Ser438Tyr; replaces serine 438 with tyrosine.
Molecular consequence: missense variant. On other transcripts: intron variant (1).
Genome position (GRCh38, 1-based): chrX:101,356,820, G>T on the plus strand (C>A on the coding strand, the complement: BTK is on the minus strand). VCF-style: chrX-101356820-G-T. GRCh37 (hg19) VCF-style: chrX-100611808-G-T.
Other names: NC_000023.10:g.100611808G>T; c.1415C>A, p.Ser472Tyr (NM_001287344.2); c.1038+1554C>A (NM_001287345.2); short protein forms S472Y, S438Y.
Identifiers: ClinVar variation 4461040 (VCV004461040.2).